The following is an entry in ClinVar:

NM_000382.3(ALDH3A2):c.681-1G>A

Gene: ALDH3A2 (aldehyde dehydrogenase 3 family member A2; plus strand). Cytogenetic location: 17p11.2.
Variant type: single nucleotide variant.
Coding change: c.681-1G>A on transcript NM_000382.3 (MANE Select); the canonical splice acceptor site of the intron before coding-DNA position 681, G replaced by A.
Molecular consequence: splice acceptor variant.
Genome position (GRCh38, 1-based): chr17:19,657,744, G>A. VCF-style: chr17-19657744-G-A. GRCh37 (hg19) VCF-style: chr17-19561057-G-A.
Other names: c.102-1G>A (NM_001369148.2); c.681-1G>A (NM_001369137.2, NM_001369138.2, NM_001369146.2 and 3 more transcripts).
Identifiers: ClinVar variation 2445728 (VCV002445728.1), dbSNP rs1265969343, ClinGen allele CA398706693.
Genomic context (GRCh38, chr17:19,657,744, plus strand): 5'-ACAAATGAATATTTGACTGAATTACTGAATTATATAGCTGTTCTGGATGTTTTCCCCTCA[G>A]ACGCATAACCTGGGGAAAATACATGAATTGTGGCCAAACCTGCATTGCACCCGACTATAT-3'

ClinVar aggregate classification (germline): Likely pathogenic (1 of 4 stars; one submission).

Conditions:
Sjögren-Larsson syndrome (SLS). Also called: ICHTHYOSIS, SPASTIC NEUROLOGIC DISORDER, AND OLIGOPHRENIA; FALDH DEFICIENCY; FATTY ALCOHOL:NAD+ OXIDOREDUCTASE DEFICIENCY; FATTY ALDEHYDE DEHYDROGENASE DEFICIENCY. Identifiers: Orphanet 816, MedGen C0037231, MONDO:0010031, OMIM 270200.

Submission:

Women's Health and Genetics/Laboratory Corporation of America, LabCorp
Classification: Likely pathogenic for Sjögren-Larsson syndrome. Last evaluated: 2023-02-06. Review status: criteria provided, single submitter. Criteria: LabCorp Variant Classification Summary - May 2015. Collection method: clinical testing. Allele origin: germline.
Comment: Variant summary: ALDH3A2 c.681-1G>A is located in a canonical splice-site and is predicted to affect mRNA splicing resulting in a significantly altered protein due to either exon skipping, shortening, or inclusion of intronic material. Several computational tools predict a significant impact on normal splicing: Four predict the variant abolishes a 3' acceptor site. However, these predictions have yet to be confirmed by functional studies. The variant was absent in 251368 control chromosomes. To our knowledge, no occurrence of c.681-1G>A in individuals affected with Sjogren-Larsson Syndrome and no experimental evidence demonstrating its impact on protein function have been reported. No clinical diagnostic laboratories have submitted clinical-significance assessments for this variant to ClinVar after 2014. Based on the evidence outlined above, the variant was classified as likely pathogenic.

Literature cited by the submitters: PubMed 10577908.